The following is an entry in ClinVar:

NM_001101362.3(KBTBD13):c.316T>C (p.Cys106Arg)

Gene: KBTBD13 (kelch repeat and BTB domain containing 13; plus strand). Cytogenetic location: 15q22.31.
Variant type: single nucleotide variant.
Coding change: c.316T>C on transcript NM_001101362.3 (MANE Select); coding-DNA position 316, T replaced by C.
Protein change: p.Cys106Arg; replaces cysteine 106 with arginine.
Molecular consequence: missense variant.
Genome position (GRCh38, 1-based): chr15:65,077,131, T>C. VCF-style: chr15-65077131-T-C. GRCh37 (hg19) VCF-style: chr15-65369469-T-C.
Other names: short protein forms C106R.
Identifiers: ClinVar variation 4874355 (VCV004874355.2).

ClinVar aggregate classification (germline): Uncertain significance (1 of 4 stars; one submission).

Submission:

CeGaT Center for Human Genetics Tuebingen
Classification: Uncertain significance. Last evaluated: 2026-06-01. Review status: criteria provided, single submitter. Criteria: CeGaT Center For Human Genetics Tuebingen Variant Classification Criteria Version 2. Collection method: clinical testing. Allele origin: germline. Affected: yes. Observed: 1 variant allele.
Comment: KBTBD13: PM2, PP3